The following is an entry in ClinVar:

NM_000051.4(ATM):c.8799A>C (p.Lys2933Asn)

Genes: C11orf65 (chromosome 11 open reading frame 65; minus strand), ATM (ATM serine/threonine kinase; plus strand). Cytogenetic location: 11q22.3.
Variant type: single nucleotide variant.
Coding change: c.8799A>C on transcript NM_000051.4 (MANE Select); coding-DNA position 8799, A replaced by C.
Protein change: p.Lys2933Asn; replaces lysine 2933 with asparagine.
Molecular consequence: missense variant. On other transcripts: intron variant (2).
Genome position (GRCh38, 1-based): chr11:108,354,823, A>C. VCF-style: chr11-108354823-A-C. GRCh37 (hg19) VCF-style: chr11-108225550-A-C.
Other names: c.8799A>C, p.Lys2933Asn (NM_001351834.2); c.640+31097T>G (NM_001330368.2); c.695-19531T>G (NM_001351110.2); short protein forms K2933N.
Identifiers: ClinVar variation 3647194 (VCV003647194.2).

ClinVar aggregate classification (germline): Uncertain significance (1 of 4 stars; one submission).

Conditions:
Ataxia-telangiectasia syndrome (AT). Also called: Ataxia-telangiectasia, complementation group D; AT, COMPLEMENTATION GROUP C; ATAXIA-TELANGIECTASIA, COMPLEMENTATION GROUP A; ATAXIA-TELANGIECTASIA, FRESNO VARIANT; Ataxia-telangiectasia; Ataxia-telangiectasia, complementation group E. Identifiers: Orphanet 100, MedGen C0004135, MONDO:0008840, OMIM 208900.

Submission:

Labcorp Genetics (formerly Invitae), Labcorp
Classification: Uncertain significance for Ataxia-telangiectasia syndrome. Last evaluated: 2024-03-21. Review status: criteria provided, single submitter. Criteria: Invitae Variant Classification Sherloc (09022015). Collection method: clinical testing. Allele origin: germline.
Comment: This sequence change replaces lysine, which is basic and polar, with asparagine, which is neutral and polar, at codon 2933 of the ATM protein (p.Lys2933Asn). This variant is not present in population databases (gnomAD no frequency). This variant has not been reported in the literature in individuals affected with ATM-related conditions. An algorithm developed to predict the effect of missense changes on protein structure and function (PolyPhen-2) suggests that this variant is likely to be disruptive. In summary, the available evidence is currently insufficient to determine the role of this variant in disease. Therefore, it has been classified as a Variant of Uncertain Significance.